The following is an entry in ClinVar:

ClinVar aggregate classification (germline): Likely benign (1 of 4 stars; one submission).

Conditions:
Early Myoclonic Encephalopathy. Identifiers: MedGen C0270855.

Allele frequency attached by ClinVar (database versions not stated): ESP Exome Variant Server 0.00043; TOPMed 0.00051; 1000 Genomes Project 30x 0.00031; gnomAD exomes 0.00048; ExAC 0.00063; 1000 Genomes Project 0.00020; gnomAD 0.00058 and 0.00061.
gnomAD v4.1: 955 of 1,608,128 alleles (0.059%); highest among the groups gnomAD compares: Non-Finnish European, 0.071%; 1 homozygote.

Submission:

Labcorp Genetics (formerly Invitae), Labcorp
Classification: Likely benign for Early Myoclonic Encephalopathy. Last evaluated: 2026-01-13. Review status: criteria provided, single submitter. Criteria: Invitae Variant Classification Sherloc (09022015). Collection method: clinical testing. Allele origin: germline.

NM_032776.3(JMJD1C):c.1120G>C (p.Asp374His)

Gene: JMJD1C (jumonji domain containing 1C; minus strand). Cytogenetic location: 10q21.3.
Variant type: single nucleotide variant.
Coding change: c.1120G>C on transcript NM_032776.3 (MANE Select); coding-DNA position 1120, G replaced by C.
Protein change: p.Asp374His; replaces aspartic acid 374 with histidine.
Molecular consequence: missense variant. On other transcripts: non-coding transcript variant (1).
Genome position (GRCh38, 1-based): chr10:63,215,047, C>G on the plus strand (G>C on the coding strand, the complement: JMJD1C is on the minus strand). VCF-style: chr10-63215047-C-G. GRCh37 (hg19) VCF-style: chr10-64974807-C-G.
Other names: c.574G>C, p.Asp192His (NM_001282948.2, NM_001318154.2); c.256G>C, p.Asp86His (NM_001318153.2); c.1006G>C, p.Asp336His (NM_001322252.2); c.463G>C, p.Asp155His (NM_001322254.2, NM_001322258.2); short protein forms D374H, D155H, D86H, D192H, D336H.
Identifiers: ClinVar variation 460212 (VCV000460212.14), dbSNP rs200016210, ClinGen allele CA5518854.